The following is an entry in ClinVar:

NM_001519.4(BRF1):c.639G>C (p.Arg213Ser)

Gene: BRF1 (BRF1 general transcription factor IIIB subunit; minus strand). Cytogenetic location: 14q32.33.
Variant type: single nucleotide variant.
Coding change: c.639G>C on transcript NM_001519.4 (MANE Select); coding-DNA position 639, G replaced by C.
Protein change: p.Arg213Ser; replaces arginine 213 with serine.
Molecular consequence: missense variant. On other transcripts: intron variant (1).
Genome position (GRCh38, 1-based): chr14:105,241,320, C>G on the plus strand (G>C on the coding strand, the complement: BRF1 is on the minus strand). VCF-style: chr14-105241320-C-G. GRCh37 (hg19) VCF-style: chr14-105707657-C-G.
Other names: c.294G>C, p.Arg98Ser (NM_001242786.2, NM_001242787.2); c.558G>C, p.Arg186Ser (NM_001242788.2); c.27G>C, p.Arg9Ser (NM_145685.3); c.-21+7829G>C (NM_001242789.2); short protein forms R186S, R213S, R98S, R9S.
Identifiers: ClinVar variation 1676480 (VCV001676480.3), dbSNP rs1432386704, ClinGen allele CA391178075.

ClinVar aggregate classification (germline): Uncertain significance (1 of 4 stars; one submission).

gnomAD v4.1: 1 of 1,612,638 alleles (0.000062%); highest among the groups gnomAD compares: Non-Finnish European, 0.000085%; no homozygotes.

Submission:

Greenwood Genetic Center Diagnostic Laboratories, Greenwood Genetic Center
Classification: Uncertain significance. Last evaluated: 2022-03-11. Review status: criteria provided, single submitter. Criteria: ACMG Guidelines, 2015. Collection method: clinical testing. Allele origin: germline. Affected: yes.
Comment: PM2, PP3